The following is an entry in ClinVar:

ClinVar aggregate classification (germline): Uncertain significance (1 of 4 stars; one submission).

Submission:

Labcorp Genetics (formerly Invitae), Labcorp
Classification: Uncertain significance. Last evaluated: 2021-02-12. Review status: criteria provided, single submitter. Criteria: Invitae Variant Classification Sherloc (09022015). Collection method: clinical testing. Allele origin: germline.
Comment: This sequence change replaces asparagine with aspartic acid at codon 471 of the ERBB2 protein (p.Asn471Asp). The asparagine residue is highly conserved and there is a small physicochemical difference between asparagine and aspartic acid. This variant is not present in population databases (ExAC no frequency). In summary, the available evidence is currently insufficient to determine the role of this variant in disease. Therefore, it has been classified as a Variant of Uncertain Significance. Algorithms developed to predict the effect of missense changes on protein structure and function are either unavailable or do not agree on the potential impact of this missense change (SIFT: "Deleterious"; PolyPhen-2: "Probably Damaging"; Align-GVGD: "Class C0"). This variant has not been reported in the literature in individuals with ERBB2-related conditions.

NM_004448.4(ERBB2):c.1411A>G (p.Asn471Asp)

Gene: ERBB2 (erb-b2 receptor tyrosine kinase 2; plus strand). Cytogenetic location: 17q12.
Variant type: single nucleotide variant.
Coding change: c.1411A>G on transcript NM_004448.4 (MANE Select); coding-DNA position 1411, A replaced by G.
Protein change: p.Asn471Asp; replaces asparagine 471 with aspartic acid.
Molecular consequence: missense variant. On other transcripts: non-coding transcript variant (1), intron variant (1).
Genome position (GRCh38, 1-based): chr17:39,715,837, A>G. VCF-style: chr17-39715837-A-G. GRCh37 (hg19) VCF-style: chr17-37872090-A-G.
Other names: c.1321A>G, p.Asn441Asp (NM_001005862.3, NM_001289938.2, NM_001382782.1 and 1 more transcripts); c.1366A>G, p.Asn456Asp (NM_001289936.2); c.1411A>G, p.Asn471Asp (NM_001289937.2, NM_001382785.1, NM_001382788.1 and 12 more transcripts); c.1528A>G, p.Asn510Asp (NM_001382784.1, NM_001382786.1); c.1486A>G, p.Asn496Asp (NM_001382787.1); c.1432A>G, p.Asn478Asp (NM_001382789.1); c.1402A>G, p.Asn468Asp (NM_001382791.1); c.1231A>G, p.Asn411Asp (NM_001382799.1); and 3 more; short protein forms N195D, N411D, N471D, N496D, N456D, N468D, N478D, N385D.
Identifiers: ClinVar variation 1378152 (VCV001378152.8), dbSNP rs2145655660, ClinGen allele CA399291161.